The following is an entry in ClinVar:

ClinVar aggregate classification (germline): Conflicting classifications of pathogenicity. Review status: criteria provided, conflicting classifications (1 of 4 stars). 4 submissions from 4 submitters: Uncertain significance (1); Benign (2); Likely benign (1). Last evaluated 2025-12-29.

Conditions:
Loeys-Dietz syndrome 4 (LDS4). Also called: TGFB2-Related Loeys-Dietz Syndrome; ANEURYSM, AORTIC AND CEREBRAL, WITH ARTERIAL TORTUOSITY AND SKELETAL MANIFESTATIONS. Identifiers: MedGen C3553762, MONDO:0013897, OMIM 614816.
Familial thoracic aortic aneurysm and aortic dissection (TAAD). Also called: Thoracic aortic aneurysms and dissections. Identifiers: Orphanet 91387, MedGen C4707243, MONDO:0019625.

Submissions (4):

Labcorp Genetics (formerly Invitae), Labcorp
Classification: Benign for Loeys-Dietz syndrome 4. Last evaluated: 2025-12-29. Review status: criteria provided, single submitter. Criteria: Invitae Variant Classification Sherloc (09022015). Collection method: clinical testing. Allele origin: germline.

Women's Health and Genetics/Laboratory Corporation of America, LabCorp
Classification: Benign. Last evaluated: 2024-03-28. Review status: criteria provided, single submitter. Criteria: LabCorp Variant Classification Summary - May 2015. Collection method: clinical testing. Allele origin: germline.
Comment: Variant summary: TGFB2 c.511-10delT alters a nucleotide located at a position not widely known to affect splicing. Consensus agreement among computation tools predict no significant impact on normal splicing. However, these predictions have yet to be confirmed by functional studies. The variant allele was found at a frequency of 7.2e-05 in 1612584 control chromosomes in the gnomAD database, including 1 homozygotes. The observed variant frequency is approximately 57.55 fold of the estimated maximal expected allele frequency for a pathogenic variant in TGFB2 causing Aortopathy phenotype (1.3e-06), strongly suggesting that the variant is benign. To our knowledge, no occurrence of c.511-10delT in individuals affected with Aortopathy and no experimental evidence demonstrating its impact on protein function have been reported. ClinVar contains an entry for this variant (Variation ID: 510100). Based on the evidence outlined above, the variant was classified as benign.

CHEO Genetics Diagnostic Laboratory, Children's Hospital of Eastern Ontario
Classification: Uncertain significance for Familial thoracic aortic aneurysm and aortic dissection. Last evaluated: 2022-10-26. Review status: criteria provided, single submitter. Criteria: ACMG Guidelines, 2015. Collection method: clinical testing. Allele origin: germline.

GeneDx
Classification: Likely benign. Last evaluated: 2022-06-17. Review status: criteria provided, single submitter. Criteria: GeneDx Variant Classification Process June 2021. Collection method: clinical testing. Allele origin: germline. Affected: yes.
Comment: See Variant Classification Assertion Criteria.

NM_003238.6(TGFB2):c.511-10del

Gene: TGFB2 (transforming growth factor beta 2; plus strand). Cytogenetic location: 1q41.
Variant type: Deletion.
Coding change: c.511-10del on transcript NM_003238.6 (MANE Select); 10 bases into the intron before coding-DNA position 511, one base deleted (T; older notation c.511-10delT).
Molecular consequence: intron variant.
Genome position (GRCh38, 1-based): chr1:218,434,072, T deleted; the last of 5 consecutive T bases (chr1:218,434,068-218,434,072); deleting any one gives the same sequence. VCF-style (leftmost placement, unchanged base first): chr1-218434067-CT-C. GRCh37 (hg19) VCF-style: chr1-218607409-CT-C.
Other names: c.595-10del (NM_001135599.2, NM_001135599.4); c.511-10delT (NM_003238.6).
Identifiers: ClinVar variation 510100 (VCV000510100.15), dbSNP rs376560786, ClinGen allele CA1398530.